The following is an entry in ClinVar:

ClinVar aggregate classification (germline): Uncertain significance (1 of 4 stars; one submission).

Conditions:
Hereditary cancer-predisposing syndrome. Also called: Neoplastic Syndromes, Hereditary; Tumor predisposition; Hereditary neoplastic syndrome; Hereditary Cancer Syndrome. Identifiers: Orphanet 140162, MedGen C0027672, MeSH D009386, MONDO:0015356.

Submission:

Ambry Genetics
Classification: Uncertain significance for Hereditary cancer-predisposing syndrome. Last evaluated: 2026-07-06. Review status: criteria provided, single submitter. Criteria: Ambry Variant Classification Scheme 2023. Collection method: clinical testing. Allele origin: germline.
Comment: The p.N2051Y variant (also known as c.6151A>T), located in coding exon 10 of the BRCA2 gene, results from an A to T substitution at nucleotide position 6151. The asparagine at codon 2051 is replaced by tyrosine, an amino acid with dissimilar properties. This amino acid position is conserved. In addition, the in silico prediction for this alteration is inconclusive. Based on the available evidence, the clinical significance of this variant remains unclear.

NM_000059.4(BRCA2):c.6151A>T (p.Asn2051Tyr)

Gene: BRCA2 (BRCA2 DNA repair associated; plus strand). Cytogenetic location: 13q13.1.
Variant type: single nucleotide variant.
Coding change: c.6151A>T on transcript NM_000059.4 (MANE Select); coding-DNA position 6151, A replaced by T.
Protein change: p.Asn2051Tyr; replaces asparagine 2051 with tyrosine.
Molecular consequence: missense variant. On other transcripts: non-coding transcript variant (1), intron variant (2).
Genome position (GRCh38, 1-based): chr13:32,340,506, A>T. VCF-style: chr13-32340506-A-T. GRCh37 (hg19) VCF-style: chr13-32914643-A-T.
Other names: c.6151A>T, p.Asn2051Tyr (NM_001406719.1, NM_001406720.1, NM_001432077.1); c.1910-4052A>T (NM_001406721.1); c.425-4052A>T (NM_001406722.1); short protein forms N2051Y.
Identifiers: ClinVar variation 5033286 (VCV005033286.1).